The following is an entry in ClinVar:

ClinVar aggregate classification (germline): Benign/Likely benign. Review status: criteria provided, multiple submitters, no conflicts (2 of 4 stars). 5 submissions from 5 submitters: Benign (1); Likely benign (3). 1 of the submissions does not count toward it. Last evaluated 2024-04-15.

Conditions:
Hereditary cancer-predisposing syndrome. Also called: Tumor predisposition; Neoplastic Syndromes, Hereditary; Hereditary neoplastic syndrome; Hereditary Cancer Syndrome. Identifiers: Orphanet 140162, MedGen C0027672, MeSH D009386, MONDO:0015356.
Hereditary breast ovarian cancer syndrome. Also called: Hereditary breast and ovarian cancer syndrome; Hereditary breast and ovarian cancer syndrome (HBOC); Hereditary breast and ovarian cancer; Breast and ovarian cancer; BRCA1- and BRCA2-Associated Hereditary Breast and Ovarian Cancer; Hereditary breast and/or ovarian cancer syndrome. Identifiers: Orphanet 145, MedGen C0677776, MeSH D061325, MONDO:0003582. Disease mechanism: loss of function.
Malignant tumor of breast. Also called: Malignant breast neoplasm; Cancer breast. Identifiers: MedGen C0006142, MONDO:0007254. Disease mechanism: loss of function.

Allele frequency attached by ClinVar (database versions not stated): ExAC 0.00001.
gnomAD v4.1: 5 of 1,602,616 alleles (0.00031%); highest among the groups gnomAD compares: Non-Finnish European, 0.00043%; no homozygotes.

Submissions (5):

Labcorp Genetics (formerly Invitae), Labcorp
Classification: Likely benign for Hereditary breast ovarian cancer syndrome. Last evaluated: 2024-04-15. Review status: criteria provided, single submitter. Criteria: Invitae Variant Classification Sherloc (09022015). Collection method: clinical testing. Allele origin: germline.

Blueprint Genetics
Classification: Likely benign. Last evaluated: 2023-05-16. Review status: criteria provided, single submitter. Criteria: ACMG Guidelines, 2015. Collection method: clinical testing. Allele origin: germline.

Color Diagnostics, LLC DBA Color Health
Classification: Likely benign for Hereditary cancer-predisposing syndrome. Last evaluated: 2019-12-20. Review status: criteria provided, single submitter. Criteria: ACMG Guidelines, 2015. Collection method: clinical testing. Allele origin: germline.

GeneDx
Classification: Benign. Last evaluated: 2015-05-27. Review status: criteria provided, single submitter. Criteria: GeneDx Variant Classification Process June 2021. Collection method: clinical testing. Allele origin: germline. Affected: yes.

Department of Pathology and Laboratory Medicine, Sinai Health System
Classification: Likely benign for Malignant tumor of breast. Review status: no assertion criteria provided. Collection method: clinical testing. Allele origin: unknown. Affected: yes. Observed: 4 variant alleles. Study: The Canadian Open Genetics Repository (COGR). Not counted in ClinVar's aggregate classification.
Comment: The BRCA1 c.4185+14G>C variant was not identified in the literature nor was it identified in the MutDB, LOVD 3.0, BIC Database, ARUP Laboratories and Zhejiang Colon Cancer Database. The variant was identified in dbSNP (ID: rs762153716) as â€šÃ„ÃºWith other alleleâ€šÃ„Ã¹, ClinVar (1x as likely benign by Invitae, 2x as uncertain significance by CHEO, COGR), Clinvitae (1x by ClinVar), GeneInsight-COGR, UMD-LSDB (4x, as 3-UV). In UMD one case was reported with a co-occurring pathogenic variant of BRCA2 gene (c.7205delC, p.Pro2402GlnfsX67), increasing the likelihood that the c.4185+14G>C variant does not have clinical significance. This variant was also previously identified by our laboratory in a family with a strong history of breast and ovarian cancer. The variant was identified in control databases in 1 of 230056 chromosomes at a frequency of 0.000004 (Genome Aggregation Database Feb 27, 2017). Breakdown of the observations by population include European Non-Finnish in 1 of 103006 chromosomes (freq: 0.00001), while the variant was not observed in the African, Other, Latino, Ashkenazi Jewish, East Asian, European Finnish, and South Asian populations. The variant occurs outside of the splicing consensus sequence and 1 of 5 in silico or computational prediction software programs (SpliceSiteFinder, MaxEntScan, NNSPLICE, GeneSplicer, HumanSpliceFinder) predict a greater than 10% difference in splicing; this is not very predictive of pathogenicity. In summary, based on the above information the clinical significance of this variant cannot be determined with certainty at this time although we would lean towards a more benign role for this variant. This variant is classified as likely benign.

NM_007294.4(BRCA1):c.4185+14G>C

Gene: BRCA1 (BRCA1 DNA repair associated; minus strand). Cytogenetic location: 17q21.31.
Variant type: single nucleotide variant.
Coding change: c.4185+14G>C on transcript NM_007294.4 (MANE Select); 14 bases into the intron after coding-DNA position 4185, G replaced by C.
Molecular consequence: intron variant.
Genome position (GRCh38, 1-based): chr17:43,090,930, C>G on the plus strand (G>C on the coding strand, the complement: BRCA1 is on the minus strand). VCF-style: chr17-43090930-C-G. GRCh37 (hg19) VCF-style: chr17-41242947-C-G.
Other names: c.753+14G>C (NM_001408442.1, NM_001408426.1, NM_001408436.1 and 12 more transcripts); c.876+14G>C (NM_001407982.1, NM_001407970.1, NM_001407980.1 and 17 more transcripts); c.4185+14G>C (NM_001407621.1, NM_001407593.1, NM_001407618.1 and 30 more transcripts); c.735+14G>C (NM_001408458.1, NM_001408469.1, NM_001408453.1 and 11 more transcripts); c.3297+14G>C (NM_001407967.1, NM_001407966.1); c.3804+14G>C (NM_001407959.1, NM_001407963.1, NM_001407960.1); c.3918+14G>C (NM_001407931.1, NM_001407932.1, NM_001407934.1 and 2 more transcripts); c.4041+14G>C (NM_001407747.1, NM_001407848.1, NM_001407839.1 and 20 more transcripts); and 41 more.
Identifiers: ClinVar variation 188411 (VCV000188411.18), dbSNP rs762153716, ClinGen allele CA002682.
Genomic context (GRCh38, chr17:43,090,930, plus strand): 5'-GAATGTGGGATACATACTACTGAATGCAAAGGACACCACACACACGCATGTGCACACACA[C>G]ACACGCTTTTTACCTGAGTGGTTAAAATGTCACTCTGAGAGGATAGCCCTGAGCAGTCTT-3'